The following is an entry in ClinVar:

ClinVar aggregate classification (germline): Likely benign (1 of 4 stars; one submission).

Allele frequency attached by ClinVar (database versions not stated): TOPMed 0.00034; gnomAD exomes 0.00046; 1000 Genomes Project 0.00060; ExAC 0.00060; 1000 Genomes Project 30x 0.00062; ESP Exome Variant Server 0.00069; gnomAD 0.00078.

Submission:

CeGaT Center for Human Genetics Tuebingen
Classification: Likely benign. Last evaluated: 2023-02-01. Review status: criteria provided, single submitter. Criteria: CeGaT Center For Human Genetics Tuebingen Variant Classification Criteria Version 2. Collection method: clinical testing. Allele origin: germline. Affected: yes. Observed: 1 variant allele.
Comment: APCS: BP4, BP7

NM_001639.4(APCS):c.133C>T (p.Leu45=)

Gene: APCS (amyloid P component, serum; plus strand). Cytogenetic location: 1q23.2.
Variant type: single nucleotide variant.
Coding change: c.133C>T on transcript NM_001639.4 (MANE Select); coding-DNA position 133, C replaced by T.
Protein change: p.Leu45=; no amino-acid change (leucine 45 retained).
Molecular consequence: synonymous variant.
Genome position (GRCh38, 1-based): chr1:159,588,169, C>T. VCF-style: chr1-159588169-C-T. GRCh37 (hg19) VCF-style: chr1-159557959-C-T.
Identifiers: ClinVar variation 2639484 (VCV002639484.24), dbSNP rs145110984, ClinGen allele CA1189000.